The following is an entry in ClinVar:

ClinVar aggregate classification (germline): Uncertain significance (1 of 4 stars; one submission).

Conditions:
Hereditary cancer-predisposing syndrome. Also called: Neoplastic Syndromes, Hereditary; Hereditary neoplastic syndrome; Tumor predisposition; Hereditary Cancer Syndrome. Identifiers: Orphanet 140162, MedGen C0027672, MeSH D009386, MONDO:0015356.

Submission:

Ambry Genetics
Classification: Uncertain significance for Hereditary cancer-predisposing syndrome. Last evaluated: 2025-01-21. Review status: criteria provided, single submitter. Criteria: Ambry Variant Classification Scheme 2023. Collection method: clinical testing. Allele origin: germline.
Comment: The c.332-1015T>G intronic variant results from a T to G substitution 1015 nucleotides upstream from coding exon 4 in the ATM gene. This nucleotide position is well conserved in available vertebrate species. In silico splice site analysis predicts that this alteration will not have any significant effect on splicing; however RNA studies have demonstrated that this alteration results in abnormal splicing in the set of samples tested (Ambry internal data). Based on the available evidence, the clinical significance of this variant remains unclear.

NM_000051.4(ATM):c.332-1015T>G

Gene: ATM (ATM serine/threonine kinase; plus strand). Cytogenetic location: 11q22.3.
Variant type: single nucleotide variant.
Coding change: c.332-1015T>G on transcript NM_000051.4 (MANE Select); 1015 bases into the intron before coding-DNA position 332, T replaced by G.
Molecular consequence: intron variant.
Genome position (GRCh38, 1-based): chr11:108,234,655, T>G. VCF-style: chr11-108234655-T-G. GRCh37 (hg19) VCF-style: chr11-108105382-T-G.
Other names: c.332-1015T>G (NM_001351834.2).
Identifiers: ClinVar variation 2453984 (VCV002453984.3), dbSNP rs2497000579, ClinGen allele CA2580082944.